The following is an entry in ClinVar:

NM_001204.7(BMPR2):c.1232T>A (p.Leu411Gln)

Gene: BMPR2 (bone morphogenetic protein receptor type 2; plus strand). Cytogenetic location: 2q33.2.
Variant type: single nucleotide variant.
Coding change: c.1232T>A on transcript NM_001204.7 (MANE Select); coding-DNA position 1232, T replaced by A.
Protein change: p.Leu411Gln; replaces leucine 411 with glutamine.
Molecular consequence: missense variant.
Genome position (GRCh38, 1-based): chr2:202,532,688, T>A. VCF-style: chr2-202532688-T-A. GRCh37 (hg19) VCF-style: chr2-203397411-T-A.
Other names: short protein forms L411Q.
Identifiers: ClinVar variation 4214539 (VCV004214539.1).

ClinVar aggregate classification (germline): Uncertain significance (1 of 4 stars; one submission).

Conditions:
Inborn genetic diseases. Identifiers: MedGen C0950123, MeSH D030342.

Submission:

Ambry Genetics
Classification: Uncertain significance for Inborn genetic diseases. Last evaluated: 2025-08-29. Review status: criteria provided, single submitter. Criteria: Ambry Variant Classification Scheme 2023. Collection method: clinical testing. Allele origin: germline.
Comment: The p.L411Q variant (also known as c.1232T>A), located in coding exon 9 of the BMPR2 gene, results from a T to A substitution at nucleotide position 1232. The leucine at codon 411 is replaced by glutamine, an amino acid with dissimilar properties. This amino acid position is conserved. In addition, this alteration is predicted to be deleterious by in silico analysis. Based on the available evidence, the clinical significance of this variant remains unclear.